The following is an entry in ClinVar:

NM_001843.4(CNTN1):c.2980+19A>T

Gene: CNTN1 (contactin 1; plus strand). Cytogenetic location: 12q12.
Variant type: single nucleotide variant.
Coding change: c.2980+19A>T on transcript NM_001843.4 (MANE Select); 19 bases into the intron after coding-DNA position 2980, A replaced by T.
Molecular consequence: intron variant.
Genome position (GRCh38, 1-based): chr12:41,029,238, A>T. VCF-style: chr12-41029238-A-T. GRCh37 (hg19) VCF-style: chr12-41423040-A-T.
Other names: c.2947+19A>T (NM_175038.2).
Identifiers: ClinVar variation 258199 (VCV000258199.12), dbSNP rs181426756, ClinGen allele CA6517270.
Genomic context (GRCh38, chr12:41,029,238, plus strand): 5'-GTGATGGAGGAGATGGAGTGGTGTCTCAAGTCAAAATTTCAGGTAAGTGAGTCATTTAAG[A>T]CACATTTCAACTAAGTACTTGTGAGTTTCTAGACCCTGTGGATTCCCAAGGGTAGGGATA-3'

ClinVar aggregate classification (germline): Benign. Review status: criteria provided, multiple submitters, no conflicts (2 of 4 stars). 5 submissions from 5 submitters: Benign (5). Last evaluated 2026-01-27.

Conditions:
Compton-North congenital myopathy (CMYO12). Identifiers: Orphanet 210163, MedGen C2675527, MONDO:0012929, OMIM 612540.

Allele frequency attached by ClinVar (database versions not stated): gnomAD 0.00157 and 0.00112; 1000 Genomes Project 30x 0.00203; gnomAD exomes 0.00217 and 0.00294; ExAC 0.00294; TOPMed 0.00151; ESP Exome Variant Server 0.00154; 1000 Genomes Project 0.00200.
gnomAD v4.1: 3,467 of 1,613,786 alleles (0.21%); highest among the groups gnomAD compares: Middle Eastern, 2.4%; 20 homozygotes.

Submissions (5):

Labcorp Genetics (formerly Invitae), Labcorp
Classification: Benign for Compton-North congenital myopathy. Last evaluated: 2026-01-27. Review status: criteria provided, single submitter. Criteria: Invitae Variant Classification Sherloc (09022015). Collection method: clinical testing. Allele origin: germline.

Fulgent Genetics
Classification: Benign for Compton-North congenital myopathy. Last evaluated: 2022-02-16. Review status: criteria provided, single submitter. Criteria: ACMG Guidelines, 2015. Collection method: clinical testing. Allele origin: unknown.

GeneDx
Classification: Benign. Last evaluated: 2017-02-22. Review status: criteria provided, single submitter. Criteria: GeneDx Variant Classification (06012015). Collection method: clinical testing. Allele origin: germline. Affected: yes.
Comment: This variant is considered likely benign or benign based on one or more of the following criteria: it is a conservative change, it occurs at a poorly conserved position in the protein, it is predicted to be benign by multiple in silico algorithms, and/or has population frequency not consistent with disease.

Breakthrough Genomics
Classification: Benign. Review status: criteria provided, single submitter. Criteria: ACMG Guidelines, 2015. Collection method: not provided. Allele origin: germline. Inheritance: Autosomal recessive inheritance. Affected: yes.

PreventionGenetics, part of Exact Sciences
Classification: Benign. Review status: criteria provided, single submitter. Criteria: ACMG Guidelines, 2015. Collection method: clinical testing. Allele origin: germline.